The following is an entry in ClinVar:

NM_000443.4(ABCB4):c.1633C>G (p.Arg545Gly)

Gene: ABCB4 (ATP binding cassette subfamily B member 4; minus strand). Cytogenetic location: 7q21.12.
Variant type: single nucleotide variant.
Coding change: c.1633C>G on transcript NM_000443.4 (MANE Select); coding-DNA position 1633, C replaced by G.
Protein change: p.Arg545Gly; replaces arginine 545 with glycine.
Molecular consequence: missense variant.
Genome position (GRCh38, 1-based): chr7:87,439,765, G>C on the plus strand (C>G on the coding strand, the complement: ABCB4 is on the minus strand). VCF-style: chr7-87439765-G-C. GRCh37 (hg19) VCF-style: chr7-87069081-G-C.
Other names: c.1633C>G, p.Arg545Gly (NM_018849.3, NM_018850.3); short protein forms R545G.
Identifiers: ClinVar variation 39841 (VCV000039841.6), dbSNP rs397514620, ClinGen allele CA130625.

ClinVar aggregate classification (germline): Uncertain significance. Review status: criteria provided, multiple submitters, no conflicts (2 of 4 stars). 4 submissions from 4 submitters: Uncertain significance (3). 1 of the submissions does not count toward it. Last evaluated 2026-04-14.

Conditions:
Low phospholipid associated cholelithiasis (GBD1). Also called: Gallbladder disease 1; Gallstone cholecystitis. Identifiers: Orphanet 69663, MedGen C2609268, MONDO:0010939, OMIM 600803.

Submissions (4):

Genomenon, Inc
Classification: Uncertain significance for Low phospholipid associated cholelithiasis. Last evaluated: 2026-04-14. Review status: criteria provided, single submitter. Criteria: Genomenon Sequence Variant Interpretation Standards - Updated. Collection method: curation. Allele origin: germline. Affected: yes.
Comment: ABCB4 p.Arg545Gly (c.1633C>G) is a missense variant that changes the amino acid at residue 545 from Arginine to Glycine. This variant has been observed in at least one proband with an ABCB4-related disorder (PMID:18482588). The presence of pathogenic/likely pathogenic missense variant(s) at the same amino acid position indicates that this residue is likely important for protein function. It is absent or not present at a significant frequency in gnomAD. In silico models predict that this variant is possibly or probably damaging. In conclusion, we classify ABCB4 p.Arg545Gly (c.1633C>G) as a variant of uncertain significance.

Women's Health and Genetics/Laboratory Corporation of America, LabCorp
Classification: Uncertain significance. Last evaluated: 2024-04-17. Review status: criteria provided, single submitter. Criteria: LabCorp Variant Classification Summary - May 2015. Collection method: clinical testing. Allele origin: germline.
Comment: Variant summary: ABCB4 c.1633C>G (p.Arg545Gly) results in a non-conservative amino acid change located in the ABC transporter-like, ATP-binding domain (IPR003439) of the encoded protein sequence. Five of five in-silico tools predict a damaging effect of the variant on protein function. The variant was absent in 251288 control chromosomes (gnomAD). The available data on variant occurrences in the general population are insufficient to allow any conclusion about variant significance. c.1633C>G has been reported in the literature in a heterozygous individual affected with Unexplained Anicteric Cholestasis (Ziol_2008). This report does not provide unequivocal conclusions about association of the variant with Familial Intrahepatic Cholestasis. To our knowledge, no experimental evidence demonstrating an impact on protein function has been reported. The following publication has been ascertained in the context of this evaluation (PMID: 18482588). ClinVar contains an entry for this variant (Variation ID: 39841). Based on the evidence outlined above, the variant was classified as uncertain significance.

Labcorp Genetics (formerly Invitae), Labcorp
Classification: Uncertain significance. Last evaluated: 2023-05-13. Review status: criteria provided, single submitter. Criteria: Invitae Variant Classification Sherloc (09022015). Collection method: clinical testing. Allele origin: germline.
Comment: In summary, the available evidence is currently insufficient to determine the role of this variant in disease. Therefore, it has been classified as a Variant of Uncertain Significance. Advanced modeling of protein sequence and biophysical properties (such as structural, functional, and spatial information, amino acid conservation, physicochemical variation, residue mobility, and thermodynamic stability) has been performed at Invitae for this missense variant, however the output from this modeling did not meet the statistical confidence thresholds required to predict the impact of this variant on ABCB4 protein function. ClinVar contains an entry for this variant (Variation ID: 39841). This missense change has been observed in individual(s) with autosomal dominant low phospholipid-associated cholelithiasis (PMID: 18482588). This variant is not present in population databases (gnomAD no frequency). This sequence change replaces arginine, which is basic and polar, with glycine, which is neutral and non-polar, at codon 545 of the ABCB4 protein (p.Arg545Gly).

OMIM
Classification: Pathogenic for GALLBLADDER DISEASE 1. Last evaluated: 2008-07-01. Review status: no assertion criteria provided. Collection method: literature only. Allele origin: germline. Not counted in ClinVar's aggregate classification.

Literature cited by the submitters: PubMed 18482588 (cited by 4 submitters).